The following is an entry in ClinVar:

NM_004614.5(TK2):c.*2914C>T

Gene: TK2 (thymidine kinase 2; minus strand). Cytogenetic location: 16q21.
Variant type: single nucleotide variant.
Coding change: c.*2914C>T on transcript NM_004614.5 (MANE Select); 2914 bases downstream of the stop codon, C replaced by T.
Molecular consequence: 3 prime UTR variant. On other transcripts: non-coding transcript variant (1).
Genome position (GRCh38, 1-based): chr16:66,509,054, G>A on the plus strand (C>T on the coding strand, the complement: TK2 is on the minus strand). VCF-style: chr16-66509054-G-A. GRCh37 (hg19) VCF-style: chr16-66542957-G-A.
Other names: c.*2914C>T (NM_001172643.1, NM_001172644.2, NM_001172645.2 and 2 more transcripts); c.*3009C>T (NM_001271935.1).
Identifiers: ClinVar variation 320121 (VCV000320121.6), dbSNP rs3743711, ClinGen allele CA10648723.

ClinVar aggregate classification (germline): Benign. Review status: criteria provided, multiple submitters, no conflicts (2 of 4 stars). 2 submissions from 2 submitters: Benign (2). Last evaluated 2018-01-13.

Conditions:
Mitochondrial DNA depletion syndrome, myopathic form (MTDPS2). Also called: MITOCHONDRIAL DNA DEPLETION SYNDROME 2 (MYOPATHIC TYPE); MITOCHONDRIAL DNA DEPLETION MYOPATHY, TK2-RELATED; TK2-Related Mitochondrial DNA Maintenance Defect, Myopathic Form. Identifiers: Orphanet 254875, MedGen C3149750, MONDO:0012301, OMIM 609560.

Allele frequency attached by ClinVar (database versions not stated): gnomAD exomes 0.02941; gnomAD 0.06117; TOPMed 0.06123; 1000 Genomes Project 30x 0.10525; 1000 Genomes Project 0.10942.
gnomAD v4.1: 9,236 of 152,392 alleles (6.1%); highest among the groups gnomAD compares: South Asian, 18%; 387 homozygotes.

Submissions (2):

Illumina Laboratory Services, Illumina
Classification: Benign for Mitochondrial DNA depletion syndrome, myopathic form. Last evaluated: 2018-01-13. Review status: criteria provided, single submitter. Criteria: ICSL Variant Classification Criteria 13 December 2019. Collection method: clinical testing. Allele origin: germline.
Comment: This variant was observed in the ICSL laboratory as part of a predisposition screen in an ostensibly healthy population. It had not been previously curated by ICSL or reported in the Human Gene Mutation Database (HGMD: prior to June 1st, 2018), and was therefore a candidate for classification through an automated scoring system. Utilizing variant allele frequency, disease prevalence and penetrance estimates, and inheritance mode, an automated score was calculated to assess if this variant is too frequent to cause the disease. Based on the score and internal cut-off values, a variant classified as benign is not then subjected to further curation. The score for this variant resulted in a classification of benign for this disease.

Breakthrough Genomics
Classification: Benign. Review status: criteria provided, single submitter. Criteria: ACMG Guidelines, 2015. Collection method: not provided. Allele origin: germline. Inheritance: Autosomal recessive inheritance. Affected: yes.